The following is an entry in ClinVar:

ClinVar aggregate classification (germline): Pathogenic. Review status: criteria provided, multiple submitters, no conflicts (2 of 4 stars). 3 submissions from 3 submitters: Pathogenic (3). Last evaluated 2025-04-24.

Conditions:
Pulmonary hypertension, neonatal, susceptibility to (PHN). Identifiers: MedGen C3714958, MONDO:0014151, OMIM 615371.
Congenital hyperammonemia, type I. Also called: Carbamoyl-phosphate synthase I deficiency; Carbamoyl phosphate synthetase I deficiency disease; Carbamoyl phosphate synthetase 1 deficiency; Hyperammonemia due to carbamoyl phosphate synthetase 1 deficiency; CPS 1 deficiency; Carbamyl phosphate synthetase (CPS) deficiency. Identifiers: Orphanet 147, MedGen C4082171, MONDO:0009376, OMIM 237300.

Submissions (3):

Natera, Inc.
Classification: Pathogenic for Carbamoyl-phosphate synthase I deficiency. Last evaluated: 2025-04-24. Review status: criteria provided, single submitter. Criteria: Natera Variant Classification Schema (03/2026). Collection method: clinical testing. Allele origin: germline.
Comment: The c.2798del variant in CPS1 is a frameshift variant predicted to shift the reading frame and introduce a stop codon. This variant is expected to result in nonsense mediated decay, truncation, or a dysfunctional protein product. This variant is rare in the general population with a frequency below the threshold expected for the associated phenotype(s). This variant has been observed in one or more individuals affected with the associated recessive disease, as either homozygous or compound heterozygous with a second variant (PMID: 15617192). Given the available evidence, this variant is classified as Pathogenic.

Baylor Genetics
Classification: Pathogenic for Pulmonary hypertension, neonatal, susceptibility to. Last evaluated: 2023-04-12. Review status: criteria provided, single submitter. Criteria: ACMG Guidelines, 2015. Collection method: clinical testing. Allele origin: unknown.

Women's Health and Genetics/Laboratory Corporation of America, LabCorp
Classification: Pathogenic for Congenital hyperammonemia, type I. Last evaluated: 2021-07-19. Review status: criteria provided, single submitter. Criteria: LabCorp Variant Classification Summary - May 2015. Collection method: clinical testing. Allele origin: germline.
Comment: Variant summary: CPS1 c.2798delT (p.Leu933X) results in a premature termination codon, predicted to cause a truncation of the encoded protein or absence of the protein due to nonsense mediated decay, which are commonly known mechanisms for disease. The variant allele was found at a frequency of 4e-06 in 251258 control chromosomes (gnomAD). c.2798delT (also described as c.2797delT in the literature) has been reported in the literature in individuals affected with Carbamoylphosphate Synthetase I Deficiency (Wakutani_2004, Kido_2021) and has been subsequently cited by others (Kurokawa_2007, Haberle_2011, Yan_2019). Most of these patients had neonatal-onset of the disease. These data indicate that the variant may be associated with disease. No clinical diagnostic laboratories have submitted clinical-significance assessments for this variant to ClinVar after 2014. Based on the evidence outlined above, the variant was classified as pathogenic.

Literature cited by the submitters: PubMed 15617192 (cited by Natera, Inc. and Women's Health and Genetics/Laboratory Corporation of America, LabCorp); PubMed 21120950 (cited by Women's Health and Genetics/Laboratory Corporation of America, LabCorp); PubMed 17310273 (cited by Women's Health and Genetics/Laboratory Corporation of America, LabCorp); PubMed 31507628 (cited by Women's Health and Genetics/Laboratory Corporation of America, LabCorp); PubMed 33851512 (cited by Women's Health and Genetics/Laboratory Corporation of America, LabCorp).

NM_001875.5(CPS1):c.2798del (p.Arg932_Leu933insTer)

Gene: CPS1 (carbamoyl-phosphate synthase 1; plus strand). Cytogenetic location: 2q34.
Variant type: Deletion.
Coding change: c.2798del on transcript NM_001875.5 (MANE Select); coding-DNA position 2798, one base deleted (T; older notation c.2798delT).
Protein change: p.Arg932_Leu933insTer.
Molecular consequence: nonsense. On other transcripts: non-coding transcript variant (2).
Genome position (GRCh38, 1-based): chr2:210,637,812, T deleted; the last of 2 consecutive T bases (chr2:210,637,811-210,637,812); deleting either gives the same sequence. VCF-style (leftmost placement, unchanged base first): chr2-210637810-GT-G. GRCh37 (hg19) VCF-style: chr2-211502534-GT-G.
Other names: c.2798del (NM_001875.4); c.2798del, p.Arg932_Leu933insTer (NM_001122633.3, NM_001369257.1); c.2831del, p.Arg943_Leu944insTer (NM_001369256.1).
Identifiers: ClinVar variation 1192241 (VCV001192241.4), dbSNP rs1179151808, ClinGen allele CA539123306.